The following is an entry in ClinVar:

NM_000702.4(ATP1A2):c.3014T>C (p.Ile1005Thr)

Gene: ATP1A2 (ATPase Na+/K+ transporting subunit alpha 2; plus strand). Cytogenetic location: 1q23.2.
Variant type: single nucleotide variant.
Coding change: c.3014T>C on transcript NM_000702.4 (MANE Select); coding-DNA position 3014, T replaced by C.
Protein change: p.Ile1005Thr; replaces isoleucine 1005 with threonine.
Molecular consequence: missense variant.
Genome position (GRCh38, 1-based): chr1:160,139,964, T>C. VCF-style: chr1-160139964-T-C. GRCh37 (hg19) VCF-style: chr1-160109754-T-C.
Other names: short protein forms I1005T.
Identifiers: ClinVar variation 595497 (VCV000595497.17), dbSNP rs369228503, ClinGen allele CA1194907.
Genomic context (GRCh38, chr1:160,139,964, plus strand): 5'-GGTTCTGCGCCTTCCCCTACAGCCTCCTCATCTTCATCTATGATGAGGTCCGAAAGCTCA[T>C]CCTGCGGCGGTATCCTGGTGGTAAGCCCCTCCACATTCCCCCCAGCAAAGTGCAAGCCCC-3'
Protein context (NP_000693.1, residues 995-1015): IFIYDEVRKL[Ile1005Thr]LRRYPGGWVE

ClinVar aggregate classification (germline): Uncertain significance. Review status: criteria provided, multiple submitters, no conflicts (2 of 4 stars). 3 submissions from 3 submitters: Uncertain significance (3). Last evaluated 2026-01-26.

Conditions:
Inborn genetic diseases. Identifiers: MedGen C0950123, MeSH D030342.
Familial hemiplegic migraine. Identifiers: MedGen C0338484, MONDO:0000700.

Allele frequency attached by ClinVar (database versions not stated): gnomAD exomes below 0.00001 and 0.00001; ExAC 0.00002; gnomAD 0.00005 and 0.00006; TOPMed 0.00007; ESP Exome Variant Server 0.00015.
gnomAD v4.1: 12 of 1,613,902 alleles (0.00074%); highest among the groups gnomAD compares: African/African-American, 0.015%; no homozygotes.

Submissions (3):

Labcorp Genetics (formerly Invitae), Labcorp
Classification: Uncertain significance for Familial hemiplegic migraine. Last evaluated: 2026-01-26. Review status: criteria provided, single submitter. Criteria: Invitae Variant Classification Sherloc (09022015). Collection method: clinical testing. Allele origin: germline.
Comment: This sequence change replaces isoleucine, which is neutral and non-polar, with threonine, which is neutral and polar, at codon 1005 of the ATP1A2 protein (p.Ile1005Thr). This variant is present in population databases (rs369228503, gnomAD 0.01%). This missense change has been observed in individual(s) with clinical features of ATP1A2-related conditions (internal data). ClinVar contains an entry for this variant (Variation ID: 595497). Invitae Evidence Modeling of protein sequence and biophysical properties (such as structural, functional, and spatial information, amino acid conservation, physicochemical variation, residue mobility, and thermodynamic stability) indicates that this missense variant is not expected to disrupt ATP1A2 protein function with a negative predictive value of 80%. In summary, the available evidence is currently insufficient to determine the role of this variant in disease. Therefore, it has been classified as a Variant of Uncertain Significance.

Ambry Genetics
Classification: Uncertain significance for Inborn genetic diseases. Last evaluated: 2025-12-22. Review status: criteria provided, single submitter. Criteria: Ambry Variant Classification Scheme 2023. Collection method: clinical testing. Allele origin: germline.
Comment: The c.3014T>C (p.I1005T) alteration is located in exon 22 (coding exon 22) of the ATP1A2 gene. This alteration results from a T to C substitution at nucleotide position 3014, causing the isoleucine (I) at amino acid position 1005 to be replaced by a threonine (T). Based on data from gnomAD, the C allele has an overall frequency of 0.001% (3/251342) total alleles studied. The highest observed frequency was 0.012% (2/16254) of African alleles. Based on insufficient or conflicting evidence, the clinical significance of this alteration remains unclear.

Eurofins Ntd Llc (ga)
Classification: Uncertain significance. Last evaluated: 2018-01-05. Review status: criteria provided, single submitter. Criteria: EGL Classification Definitions 2015. Collection method: clinical testing. Allele origin: germline. Observed: 1 variant allele, 1 heterozygote.